The following is an entry in ClinVar:

NM_000038.6(APC):c.4447C>A (p.Pro1483Thr)

Gene: APC (APC regulator of Wnt signaling pathway; plus strand). Cytogenetic location: 5q22.2.
Variant type: single nucleotide variant.
Coding change: c.4447C>A on transcript NM_000038.6 (MANE Select); coding-DNA position 4447, C replaced by A.
Protein change: p.Pro1483Thr; replaces proline 1483 with threonine.
Molecular consequence: missense variant. On other transcripts: non-coding transcript variant (2).
Genome position (GRCh38, 1-based): chr5:112,840,041, C>A. VCF-style: chr5-112840041-C-A. GRCh37 (hg19) VCF-style: chr5-112175738-C-A.
Other names: c.4174C>A, p.Pro1392Thr (NM_001354902.2); c.4144C>A, p.Pro1382Thr (NM_001354903.2, NM_001407458.1, NM_001407459.1 and 1 more transcripts); c.4069C>A, p.Pro1357Thr (NM_001354904.2); c.3967C>A, p.Pro1323Thr (NM_001354905.2); c.3598C>A, p.Pro1200Thr (NM_001354906.2, NM_001407470.1); c.4531C>A, p.Pro1511Thr (NM_001407446.1); c.4501C>A, p.Pro1501Thr (NM_001407447.1, NM_001407448.1, NM_001407449.1 and 1 more transcripts); c.4198C>A, p.Pro1400Thr (NM_001407454.1, NM_001407455.1, NM_001407456.1 and 1 more transcripts); and 11 more; short protein forms P1354T, P1357T, P1424T, P1442T, P1455T, P1483T, P1400T, P1473T.
Identifiers: ClinVar variation 3412752 (VCV003412752.1).
Genomic context (GRCh38, chr5:112,840,041, plus strand): 5'-AGAGAGAGTGGACCTAAGCAAGCTGCAGTAAATGCTGCAGTTCAGAGGGTCCAGGTTCTT[C>A]CAGATGCTGATACTTTATTACATTTTGCCACGGAAAGTACTCCAGATGGATTTTCTTGTT-3'
Protein context (NP_000029.2, residues 1473-1493): NAAVQRVQVL[Pro1483Thr]DADTLLHFAT

ClinVar aggregate classification (germline): Uncertain significance (1 of 4 stars; one submission).

Conditions:
Hereditary cancer-predisposing syndrome. Also called: Neoplastic Syndromes, Hereditary; Tumor predisposition; Hereditary Cancer Syndrome; Hereditary neoplastic syndrome. Identifiers: Orphanet 140162, MedGen C0027672, MeSH D009386, MONDO:0015356.

Submission:

Ambry Genetics
Classification: Uncertain significance for Hereditary cancer-predisposing syndrome. Last evaluated: 2024-12-09. Review status: criteria provided, single submitter. Criteria: Ambry Variant Classification Scheme 2023. Collection method: clinical testing. Allele origin: germline.
Comment: The p.P1483T variant (also known as c.4447C>A), located in coding exon 15 of the APC gene, results from a C to A substitution at nucleotide position 4447. The proline at codon 1483 is replaced by threonine, an amino acid with highly similar properties. This amino acid position is conserved. In addition, in silico predictors for this gene do not accurately predict pathogenicity. Based on the available evidence, the clinical significance of this variant remains unclear.